The following is an entry in ClinVar:

NM_201384.3(PLEC):c.9469G>A (p.Ala3157Thr)

Gene: PLEC (plectin; minus strand). Cytogenetic location: 8q24.3.
Variant type: single nucleotide variant.
Coding change: c.9469G>A on transcript NM_201384.3 (MANE Select); coding-DNA position 9469, G replaced by A.
Protein change: p.Ala3157Thr; replaces alanine 3157 with threonine.
Molecular consequence: missense variant.
Genome position (GRCh38, 1-based): chr8:143,920,352, C>T on the plus strand (G>A on the coding strand, the complement: PLEC is on the minus strand). VCF-style: chr8-143920352-C-T. GRCh37 (hg19) VCF-style: chr8-144994520-C-T.
Other names: c.9550G>A, p.Ala3184Thr (NM_000445.5); c.6169G>A, p.Ala2057Thr (NM_001410941.1); c.9427G>A, p.Ala3143Thr (NM_201378.4); c.9403G>A, p.Ala3135Thr (NM_201379.3); c.9880G>A, p.Ala3294Thr (NM_201380.4); c.9373G>A, p.Ala3125Thr (NM_201381.3); c.9469G>A, p.Ala3157Thr (NM_201382.4); c.9481G>A, p.Ala3161Thr (NM_201383.3); and 1 more; short protein forms A3157T, A3125T, A2057T, A3135T, A3143T, A3184T, A3161T, A3294T.
Identifiers: ClinVar variation 2159454 (VCV002159454.6), dbSNP rs200446289, ClinGen allele CA4924960.
Genomic context (GRCh38, chr8:143,920,352, plus strand): 5'-CGGCCCTTGGTGCCGACAGGGCCCTGCTGGTCTCCTCATCCAGGCAGCCTCGGGCGCAGG[C>T]GACATCCAGGGGCACGCGGTGGCTCTTGCTGGGGTCCACGATGCCGCCCGTGGACAGCTG-3'
Protein context (NP_958786.1, residues 3147-3167): SKSHRVPLDV[Ala3157Thr]CARGCLDEET

ClinVar aggregate classification (germline): Uncertain significance. Review status: criteria provided, multiple submitters, no conflicts (2 of 4 stars). 3 submissions from 3 submitters: Uncertain significance (3). Last evaluated 2026-07-27.

Conditions:
PLEC-related disorder. Also called: PLEC-related condition; PLEC-related disorders.
Epidermolysis bullosa simplex 5B, with muscular dystrophy (EBS5B). Also called: Epidermolysis bullosa simplex with muscular dystrophy; EPIDERMOLYSIS BULLOSA SIMPLEX AND LIMB-GIRDLE MUSCULAR DYSTROPHY. Identifiers: Orphanet 257, MedGen C2931072, MONDO:0009181, OMIM 226670.
Epidermolysis bullosa simplex, Ogna type (EBS5A). Also called: Pidermolysis bullosa simplex 5A, Ogna type; EPIDERMOLYSIS BULLOSA SIMPLEX 5A, OGNA TYPE. Identifiers: Orphanet 79401, MedGen C0432317, MONDO:0007555, OMIM 131950.
Epidermolysis bullosa simplex 5C, with pyloric atresia (EBS5C). Also called: PLEC1-Related Epidermolysis Bullosa with Pyloric Atresia; PLEC-Related Epidermolysis Bullosa with Pyloric Atresia; Epidermolysis bullosa simplex with pyloric atresia. Identifiers: Orphanet 158684, MedGen C2677349, MONDO:0012807, OMIM 612138.
Epidermolysis bullosa simplex with nail dystrophy (EBS5D). Identifiers: MedGen C4225309, MONDO:0014661, OMIM 616487.
Autosomal recessive limb-girdle muscular dystrophy type 2Q (LGMDR17). Also called: MUSCULAR DYSTROPHY, LIMB-GIRDLE, AUTOSOMAL RECESSIVE 17. Identifiers: Orphanet 254361, MedGen C3150989, MONDO:0013390, OMIM 613723.

gnomAD v4.1: 19 of 1,594,650 alleles (0.0012%); highest among the groups gnomAD compares: Middle Eastern, 0.017%; no homozygotes.

Submissions (3):

PreventionGenetics, part of Exact Sciences
Classification: Uncertain significance for PLEC-related condition. Last evaluated: 2026-07-27. Review status: criteria provided, single submitter. Criteria: ACMG Guidelines, 2015. Collection method: clinical testing. Allele origin: germline.
Comment: The PLEC c.9550G>A variant is predicted to result in the amino acid substitution p.Ala3184Thr. To our knowledge, this variant has not been reported in the literature. This variant is reported in 0.0079% of alleles in individuals of European (Finnish) descent in gnomAD. At this time, the clinical significance of this variant is uncertain due to the absence of conclusive functional and genetic evidence.

Labcorp Genetics (formerly Invitae), Labcorp
Classification: Uncertain significance for Autosomal recessive limb-girdle muscular dystrophy type 2Q; Epidermolysis bullosa simplex, Ogna type; Epidermolysis bullosa simplex with nail dystrophy; Epidermolysis bullosa simplex 5C, with pyloric atresia; Epidermolysis bullosa simplex 5B, with muscular dystrophy. Last evaluated: 2022-08-28. Review status: criteria provided, single submitter. Criteria: Invitae Variant Classification Sherloc (09022015). Collection method: clinical testing. Allele origin: germline.
Comment: The frequency data for this variant in the population databases is considered unreliable, as metrics indicate poor data quality at this position in the gnomAD database. This variant has not been reported in the literature in individuals affected with PLEC-related conditions. Algorithms developed to predict the effect of missense changes on protein structure and function (SIFT, PolyPhen-2, Align-GVGD) all suggest that this variant is likely to be disruptive. In summary, the available evidence is currently insufficient to determine the role of this variant in disease. Therefore, it has been classified as a Variant of Uncertain Significance. This sequence change replaces alanine, which is neutral and non-polar, with threonine, which is neutral and polar, at codon 3184 of the PLEC protein (p.Ala3184Thr).

Blueprint Genetics
Classification: Uncertain significance. Last evaluated: 2020-01-22. Review status: criteria provided, single submitter. Criteria: ACMG Guidelines, 2015. Collection method: clinical testing. Allele origin: germline.